The following is an entry in ClinVar:

NM_000079.4(CHRNA1):c.757T>G (p.Phe253Val)

Gene: CHRNA1 (cholinergic receptor nicotinic alpha 1 subunit; minus strand). Cytogenetic location: 2q31.1.
Variant type: single nucleotide variant.
Coding change: c.757T>G on transcript NM_000079.4 (MANE Select); coding-DNA position 757, T replaced by G.
Protein change: p.Phe253Val; replaces phenylalanine 253 with valine.
Molecular consequence: missense variant.
Genome position (GRCh38, 1-based): chr2:174,753,524, A>C on the plus strand (T>G on the coding strand, the complement: CHRNA1 is on the minus strand). VCF-style: chr2-174753524-A-C. GRCh37 (hg19) VCF-style: chr2-175618252-A-C.
Other names: F233V; c.832T>G, p.Phe278Val (NM_001039523.3); short protein forms F253V, F278V.
Identifiers: ClinVar variation 18383 (VCV000018383.4), dbSNP rs137852805, ClinGen allele CA128078.

ClinVar aggregate classification (germline): Likely pathogenic. Review status: criteria provided, single submitter (1 of 4 stars). 2 submissions from 2 submitters: Likely pathogenic (1). 1 of the submissions does not count toward it. Last evaluated 2025-05-27.

Conditions:
Myasthenic syndrome, congenital, 1B, fast-channel. Also called: Fast-Channel Congenital Myasthenia Syndrome. Identifiers: Orphanet 590, MedGen C4225405, MONDO:0012156, OMIM 608930.
Lethal multiple pterygium syndrome (LMPS). Identifiers: Orphanet 33108, MedGen C1854678, MONDO:0009668, OMIM 253290.

Allele frequency attached by ClinVar (database versions not stated): gnomAD exomes below 0.00001; ExAC 0.00001.

Submissions (2):

Labcorp Genetics (formerly Invitae), Labcorp
Classification: Likely pathogenic for Lethal multiple pterygium syndrome. Last evaluated: 2025-05-27. Review status: criteria provided, single submitter. Criteria: Invitae Variant Classification Sherloc (09022015). Collection method: clinical testing. Allele origin: germline.
Comment: This sequence change replaces phenylalanine, which is neutral and non-polar, with valine, which is neutral and non-polar, at codon 253 of the CHRNA1 protein (p.Phe253Val). This variant is present in population databases (rs137852805, gnomAD 0.006%). This missense change has been observed in individual(s) with autosomal recessive congenital myasthenic syndrome (PMID: 10195214). It has also been observed to segregate with disease in related individuals. ClinVar contains an entry for this variant (Variation ID: 18383). Invitae Evidence Modeling of protein sequence and biophysical properties (such as structural, functional, and spatial information, amino acid conservation, physicochemical variation, residue mobility, and thermodynamic stability) indicates that this missense variant is expected to disrupt CHRNA1 protein function with a positive predictive value of 80%. Experimental studies have shown that this missense change affects CHRNA1 function (PMID: 10195214). In summary, the currently available evidence indicates that the variant is pathogenic, but additional data are needed to prove that conclusively. Therefore, this variant has been classified as Likely Pathogenic.

OMIM
Classification: Pathogenic for MYASTHENIC SYNDROME, CONGENITAL, 1B, FAST-CHANNEL. Last evaluated: 1999-03-01. Review status: no assertion criteria provided. Collection method: literature only. Allele origin: germline. Not counted in ClinVar's aggregate classification.

Literature cited by the submitters: PubMed 10195214 (cited by Labcorp Genetics (formerly Invitae), Labcorp and OMIM).